The following is an entry in ClinVar:

NM_000548.5(TSC2):c.774+1G>T

Gene: TSC2 (TSC complex subunit 2; plus strand). Cytogenetic location: 16p13.3.
Variant type: single nucleotide variant.
Coding change: c.774+1G>T on transcript NM_000548.5 (MANE Select); the canonical splice donor site of the intron after coding-DNA position 774, G replaced by T.
Molecular consequence: splice donor variant.
Genome position (GRCh38, 1-based): chr16:2,056,770, G>T. VCF-style: chr16-2056770-G-T. GRCh37 (hg19) VCF-style: chr16-2106771-G-T.
Other names: c.-658+1G>T (NM_001406693.1, NM_001406689.1, NM_001406690.1 and 4 more transcripts); c.864+1G>T (NM_001406667.1, NM_001406668.1); c.174+1G>T (NM_001406680.1, NM_001406683.1, NM_001406687.1 and 6 more transcripts); c.-834+1G>T (NM_001406698.1); c.774+1G>T (NM_001114382.3, NM_001406663.1, NM_001406664.1 and 6 more transcripts); c.-539+1G>T (NM_001406694.1, NM_001406695.1); c.762+1G>T (NM_001406671.1, NM_001406673.1); c.312+1G>T (NM_001406681.1); and 4 more.
Identifiers: ClinVar variation 65237 (VCV000065237.7), dbSNP rs45517128, ClinGen allele CA022944.

ClinVar aggregate classification (germline): Pathogenic. Review status: criteria provided, single submitter (1 of 4 stars). 2 submissions from 2 submitters: Pathogenic (1). 1 of the submissions does not count toward it. Last evaluated 2022-03-19.

Conditions:
Tuberous sclerosis syndrome (TSC). Also called: Tuberous Sclerosis Complex; Tuberous sclerosis. Identifiers: Orphanet 805, MedGen C0041341, MONDO:0001734.
Tuberous sclerosis 2 (TSC2). Identifiers: Orphanet 805, MedGen C1860707, MONDO:0013199, OMIM 613254.

Submissions (2):

Labcorp Genetics (formerly Invitae), Labcorp
Classification: Pathogenic for Tuberous sclerosis 2. Last evaluated: 2022-03-19. Review status: criteria provided, single submitter. Criteria: Invitae Variant Classification Sherloc (09022015). Collection method: clinical testing. Allele origin: germline.
Comment: For these reasons, this variant has been classified as Pathogenic. Algorithms developed to predict the effect of sequence changes on RNA splicing suggest that this variant may disrupt the consensus splice site. ClinVar contains an entry for this variant (Variation ID: 65237). Disruption of this splice site has been observed in individual(s) with tuberous sclerosis complex (PMID: 29101226, 29476190). In at least one individual the variant was observed to be de novo. This variant is not present in population databases (gnomAD no frequency). This sequence change affects a donor splice site in intron 8 of the TSC2 gene. It is expected to disrupt RNA splicing. Variants that disrupt the donor or acceptor splice site typically lead to a loss of protein function (PMID: 16199547), and loss-of-function variants in TSC2 are known to be pathogenic (PMID: 10205261, 17304050).

Tuberous sclerosis database (TSC2)
No classification provided. Condition: TSC. Review status: no classification provided. Criteria: Tuberous Sclerosis Database Assertion Criteria 2015. Collection method: curation. Allele origin: germline. Affected: yes. Not counted in ClinVar's aggregate classification.

Literature cited by the submitters: PubMed 29101226 (cited by Labcorp Genetics (formerly Invitae), Labcorp); PubMed 29476190 (cited by Labcorp Genetics (formerly Invitae), Labcorp); PubMed 16199547 (cited by Labcorp Genetics (formerly Invitae), Labcorp); PubMed 10205261 (cited by Labcorp Genetics (formerly Invitae), Labcorp); PubMed 17304050 (cited by Labcorp Genetics (formerly Invitae), Labcorp).